The following is an entry in ClinVar:

ClinVar aggregate classification (germline): Uncertain significance. Review status: criteria provided, multiple submitters, no conflicts (2 of 4 stars). 2 submissions from 2 submitters: Uncertain significance (2). Last evaluated 2025-09-29.

Conditions:
Inborn genetic diseases. Identifiers: MedGen C0950123, MeSH D030342.

Allele frequency attached by ClinVar (database versions not stated): gnomAD 0.00006 and 0.00005; gnomAD exomes below 0.00001; ExAC 0.00001; ESP Exome Variant Server 0.00008; TOPMed 0.00004.

Submissions (2):

Ambry Genetics
Classification: Uncertain significance for Inborn genetic diseases. Last evaluated: 2025-09-29. Review status: criteria provided, single submitter. Criteria: Ambry Variant Classification Scheme 2023. Collection method: clinical testing. Allele origin: germline.

Labcorp Genetics (formerly Invitae), Labcorp
Classification: Uncertain significance. Last evaluated: 2022-10-17. Review status: criteria provided, single submitter. Criteria: Invitae Variant Classification Sherloc (09022015). Collection method: clinical testing. Allele origin: germline.
Comment: This sequence change replaces glutamine, which is neutral and polar, with histidine, which is basic and polar, at codon 1539 of the LAMC3 protein (p.Gln1539His). This variant is present in population databases (rs375799350, gnomAD 0.003%). This variant has not been reported in the literature in individuals affected with LAMC3-related conditions. ClinVar contains an entry for this variant (Variation ID: 1371371). Algorithms developed to predict the effect of missense changes on protein structure and function are either unavailable or do not agree on the potential impact of this missense change (SIFT: "Deleterious"; PolyPhen-2: "Probably Damaging"; Align-GVGD: "Class C0"). In summary, the available evidence is currently insufficient to determine the role of this variant in disease. Therefore, it has been classified as a Variant of Uncertain Significance.

NM_006059.4(LAMC3):c.4617G>C (p.Gln1539His)

Gene: LAMC3 (laminin subunit gamma 3; plus strand). Cytogenetic location: 9q34.12.
Variant type: single nucleotide variant.
Coding change: c.4617G>C on transcript NM_006059.4 (MANE Select); coding-DNA position 4617, G replaced by C.
Protein change: p.Gln1539His; replaces glutamine 1539 with histidine.
Molecular consequence: missense variant.
Genome position (GRCh38, 1-based): chr9:131,091,676, G>C. VCF-style: chr9-131091676-G-C. GRCh37 (hg19) VCF-style: chr9-133967063-G-C.
Other names: c.4617G>C (NM_006059.3); short protein forms Q1539H.
Identifiers: ClinVar variation 1371371 (VCV001371371.4), dbSNP rs375799350, ClinGen allele CA5288231.